The following is an entry in ClinVar:

NM_005732.4(RAD50):c.1779A>C (p.Arg593Ser)

Gene: RAD50 (RAD50 double strand break repair protein; plus strand). Cytogenetic location: 5q31.1.
Variant type: single nucleotide variant.
Coding change: c.1779A>C on transcript NM_005732.4 (MANE Select); coding-DNA position 1779, A replaced by C.
Protein change: p.Arg593Ser; replaces arginine 593 with serine.
Molecular consequence: missense variant.
Genome position (GRCh38, 1-based): chr5:132,592,020, A>C. VCF-style: chr5-132592020-A-C. GRCh37 (hg19) VCF-style: chr5-131927712-A-C.
Other names: short protein forms R593S.
Identifiers: ClinVar variation 1779916 (VCV001779916.4), dbSNP rs1331696137, ClinGen allele CA360946766.
Genomic context (GRCh38, chr5:132,592,020, plus strand): 5'-AAAACAGCTTGAAGACTGGCTACATAGTAAATCAAAAGAAATTAATCAGACCAGGGACAG[A>C]CTTGCCAAATTGAAGTAAGTTGCAACATTTGGAGATGTAATAGAAATCTCTTATTTCATG-3'
Protein context (NP_005723.2, residues 583-603): KSKEINQTRD[Arg593Ser]LAKLNKELAS

ClinVar aggregate classification (germline): Uncertain significance (1 of 4 stars; one submission).

Conditions:
Hereditary cancer-predisposing syndrome. Also called: Neoplastic Syndromes, Hereditary; Tumor predisposition; Hereditary Cancer Syndrome; Hereditary neoplastic syndrome. Identifiers: Orphanet 140162, MedGen C0027672, MeSH D009386, MONDO:0015356.

Allele frequency attached by ClinVar (database versions not stated): gnomAD exomes below 0.00001.

Submission:

Ambry Genetics
Classification: Uncertain significance for Hereditary cancer-predisposing syndrome. Last evaluated: 2024-05-10. Review status: criteria provided, single submitter. Criteria: Ambry Variant Classification Scheme 2023. Collection method: clinical testing. Allele origin: germline.
Comment: The p.R593S variant (also known as c.1779A>C), located in coding exon 11 of the RAD50 gene, results from an A to C substitution at nucleotide position 1779. The arginine at codon 593 is replaced by serine, an amino acid with dissimilar properties. This amino acid position is conserved. In addition, this alteration is predicted to be tolerated by in silico analysis. Since supporting evidence is limited at this time, the clinical significance of this alteration remains unclear.